The following is an entry in ClinVar:

NM_001386393.1(PANK2):c.1112G>A (p.Arg371Gln)

Gene: PANK2 (pantothenate kinase 2; plus strand). Cytogenetic location: 20p13.
Variant type: single nucleotide variant.
Coding change: c.1112G>A on transcript NM_001386393.1 (MANE Select); coding-DNA position 1112, G replaced by A.
Protein change: p.Arg371Gln; replaces arginine 371 with glutamine.
Molecular consequence: missense variant. On other transcripts: non-coding transcript variant (1).
Genome position (GRCh38, 1-based): chr20:3,916,956, G>A. VCF-style: chr20-3916956-G-A. GRCh37 (hg19) VCF-style: chr20-3897603-G-A.
Other names: c.569G>A, p.Arg190Gln (NM_001324191.2, NM_024960.6, NM_153640.4); c.134G>A, p.Arg45Gln (NM_001324193.2); c.1442G>A, p.Arg481Gln (NM_153638.4); short protein forms R190Q, R371Q, R45Q, R481Q.
Identifiers: ClinVar variation 1683405 (VCV001683405.1), dbSNP rs1241995212, ClinGen allele CA408119284.

ClinVar aggregate classification (germline): Uncertain significance. Review status: criteria provided, multiple submitters, no conflicts (2 of 4 stars). 2 submissions from 2 submitters: Uncertain significance (2). Last evaluated 2022-04-14.

Conditions:
Pigmentary pallidal degeneration (NBIA1). Also called: Pantothenate Kinase-Associated Neurodegeneration; Neuroaxonal dystrophy, late infantile; Hallervorden-Spatz disease; HARP SYNDROME; Neurodegeneration with brain iron accumulation 1; PKAN NEUROAXONAL DYSTROPHY, JUVENILE-ONSET. Identifiers: Orphanet 157850, MedGen C0018523, MONDO:0009319, OMIM 234200.

Allele frequency attached by ClinVar (database versions not stated): gnomAD exomes below 0.00001.

Submissions (2):

Women's Health and Genetics/Laboratory Corporation of America, LabCorp
Classification: Uncertain significance. Last evaluated: 2022-04-14. Review status: criteria provided, single submitter. Criteria: LabCorp Variant Classification Summary - May 2015. Collection method: clinical testing. Allele origin: germline.
Comment: Variant summary: PANK2 c.1442G>A (p.Arg481Gln) results in a conservative amino acid change in the encoded protein sequence. Three of five in-silico tools predict a benign effect of the variant on protein function. The variant allele was found at a frequency of 4e-06 in 251420 control chromosomes. The available data on variant occurrences in the general population are insufficient to allow any conclusion about variant significance. c.1442G>A has been reported in the literature as a compound heterozygous genotype in at-least one individual affected with Neurodegeneration with brain iron accumulation (NBIA) (example, Hartig_2006, Chang_2020). These data do not allow any conclusion about variant significance. To our knowledge, no experimental evidence demonstrating an impact on protein function has been reported. No clinical diagnostic laboratories have submitted clinical-significance assessments for this variant to ClinVar after 2014. Based on the evidence outlined above, the variant was classified as uncertain significance.

Neuberg Centre For Genomic Medicine, NCGM
Classification: Uncertain significance for Pigmentary pallidal degeneration. Review status: criteria provided, single submitter. Criteria: ACMG Guidelines, 2015. Collection method: clinical testing. Allele origin: germline. Inheritance: Autosomal recessive inheritance. Affected: yes.
Comment: The missense variant p.R481Q in PANK2 (NM_153638.4) has not been reported previously as a pathogenic variant nor as a benign variant, to our knowledge. The p.R481Q variant is observed in 1/30,616 (0.0033%) alleles from individuals of South Asian background in gnomAD Exomes and is novel (not in any individuals) in 1000 Genomes. There is a small physicochemical difference between arginine and glutamine, which is not likely to impact secondary protein structure as these residues share similar properties. The p.R481Q missense variant is predicted to be damaging by both SIFT and PolyPhen2. The glutamine residue at codon 481 of PANK2 is only present in a single other mammalian species: Armadillo. The nucleotide c.1442 in PANK2 is predicted conserved by GERP++ and PhyloP across 100 vertebrates. For these reasons, this variant has been classified as Uncertain Significance.

Literature cited by the submitters: PubMed 16437574 (cited by Women's Health and Genetics/Laboratory Corporation of America, LabCorp); PubMed 32043823 (cited by Women's Health and Genetics/Laboratory Corporation of America, LabCorp).